The following is an entry in ClinVar:

NM_000726.5(CACNB4):c.1496C>G (p.Thr499Ser)

Gene: CACNB4 (calcium voltage-gated channel auxiliary subunit beta 4; minus strand). Cytogenetic location: 2q23.3.
Variant type: single nucleotide variant.
Coding change: c.1496C>G on transcript NM_000726.5 (MANE Select); coding-DNA position 1496, C replaced by G.
Protein change: p.Thr499Ser; replaces threonine 499 with serine.
Molecular consequence: missense variant.
Genome position (GRCh38, 1-based): chr2:151,839,186, G>C on the plus strand (C>G on the coding strand, the complement: CACNB4 is on the minus strand). VCF-style: chr2-151839186-G-C. GRCh37 (hg19) VCF-style: chr2-152695700-G-C.
Other names: c.1442C>G, p.Thr481Ser (NM_001005746.4); c.1394C>G, p.Thr465Ser (NM_001005747.4); c.1310C>G, p.Thr437Ser (NM_001145798.3); c.1355C>G, p.Thr452Ser (NM_001320722.3, NM_001330118.2); c.1253C>G, p.Thr418Ser (NM_001330113.2); c.842C>G, p.Thr281Ser (NM_001330114.2); c.1205C>G, p.Thr402Ser (NM_001330115.2); c.1166C>G, p.Thr389Ser (NM_001330116.2); and 1 more; short protein forms T499S, T281S, T389S, T481S, T313S, T437S, T452S, T402S.
Identifiers: ClinVar variation 501966 (VCV000501966.15), dbSNP rs770682557, ClinGen allele CA1912331.
Genomic context (GRCh38, chr2:151,839,186, plus strand): 5'-CTATGTCGGGAGTCATGGCTATATCCCCCAGGTGATCCTCGGTTCCTATGGGGTTTGTAA[G>C]TGTCCTGGTATGAGTCAGGGTAATCTTCTTCCACAAGAGGGTAATGATCTCGGCTATGCT-3'
Protein context (NP_000717.2, residues 489-509): EEDYPDSYQD[Thr499Ser]YKPHRNRGSP

ClinVar aggregate classification (germline): Uncertain significance. Review status: criteria provided, multiple submitters, no conflicts (2 of 4 stars). 3 submissions from 3 submitters: Uncertain significance (3). Last evaluated 2025-06-03.

Conditions:
Idiopathic generalized epilepsy. Also called: EIG; Generalised epilepsy. Identifiers: MedGen C0270850, MONDO:0005579, OMIM 600669.

Allele frequency attached by ClinVar (database versions not stated): TOPMed 0.00001; gnomAD 0.00002.
gnomAD v4.1: 9 of 1,613,432 alleles (0.00056%); highest among the groups gnomAD compares: Non-Finnish European, 0.00076%; no homozygotes.

Submissions (3):

Ambry Genetics
Classification: Uncertain significance. Last evaluated: 2025-06-03. Review status: criteria provided, single submitter. Criteria: Ambry Variant Classification Scheme 2023. Collection method: clinical testing. Allele origin: germline.

Labcorp Genetics (formerly Invitae), Labcorp
Classification: Uncertain significance for Idiopathic generalized epilepsy. Last evaluated: 2020-02-10. Review status: criteria provided, single submitter. Criteria: Invitae Variant Classification Sherloc (09022015). Collection method: clinical testing. Allele origin: germline.
Comment: This sequence change replaces threonine with serine at codon 499 of the CACNB4 protein (p.Thr499Ser). The threonine residue is moderately conserved and there is a small physicochemical difference between threonine and serine. This variant is present in population databases (rs770682557, ExAC 0.002%). This variant has not been reported in the literature in individuals with CACNB4-related conditions. ClinVar contains an entry for this variant (Variation ID: 501966). Algorithms developed to predict the effect of missense changes on protein structure and function output the following: SIFT: "Tolerated"; PolyPhen-2: "Benign"; Align-GVGD: "Class C0". The serine amino acid residue is found in multiple mammalian species, suggesting that this missense change does not adversely affect protein function. These predictions have not been confirmed by published functional studies and their clinical significance is uncertain. In summary, the available evidence is currently insufficient to determine the role of this variant in disease. Therefore, it has been classified as a Variant of Uncertain Significance.

Eurofins Ntd Llc (ga)
Classification: Uncertain significance. Last evaluated: 2017-05-12. Review status: criteria provided, single submitter. Criteria: EGL Classification Definitions 2015. Collection method: clinical testing. Allele origin: germline. Observed: 1 variant allele, 1 heterozygote.